The following is an entry in ClinVar:

NM_001130987.2(DYSF):c.6270C>T (p.Ile2090=)

Gene: DYSF (dysferlin; plus strand). Cytogenetic location: 2p13.2.
Variant type: single nucleotide variant.
Coding change: c.6270C>T on transcript NM_001130987.2 (MANE Select); coding-DNA position 6270, C replaced by T.
Protein change: p.Ile2090=; no amino-acid change (isoleucine 2090 retained).
Molecular consequence: synonymous variant.
Genome position (GRCh38, 1-based): chr2:71,682,626, C>T. VCF-style: chr2-71682626-C-T. GRCh37 (hg19) VCF-style: chr2-71909756-C-T.
Other names: c.6156C>T, p.Ile2052= (NM_001130455.2); c.6111C>T, p.Ile2037= (NM_001130976.2); c.6174C>T, p.Ile2058= (NM_001130977.2); c.6216C>T, p.Ile2072= (NM_001130978.2); c.6246C>T, p.Ile2082= (NM_001130979.2); c.6204C>T, p.Ile2068= (NM_001130980.2); c.6267C>T, p.Ile2089= (NM_001130981.2); c.6249C>T, p.Ile2083= (NM_001130982.2); and 5 more.
Identifiers: ClinVar variation 509411 (VCV000509411.8), dbSNP rs1231224348, ClinGen allele CA426704936.

ClinVar aggregate classification (germline): Likely benign. Review status: criteria provided, multiple submitters, no conflicts (2 of 4 stars). 2 submissions from 2 submitters: Likely benign (2). Last evaluated 2025-05-04.

Conditions:
Neuromuscular disease caused by qualitative or quantitative defects of dysferlin. Also called: Dysferlinopathy; Qualitative or quantitative defects of dysferlin. Identifiers: Orphanet 207073, MedGen C2931687, MONDO:0016145.

Allele frequency attached by ClinVar (database versions not stated): gnomAD exomes below 0.00001 and 0.00001; gnomAD 0.00001; TOPMed 0.00001.
gnomAD v4.1: 4 of 1,614,038 alleles (0.00025%); highest among the groups gnomAD compares: African/African-American, 0.0013%; no homozygotes.

Submissions (2):

Labcorp Genetics (formerly Invitae), Labcorp
Classification: Likely benign for Neuromuscular disease caused by qualitative or quantitative defects of dysferlin. Last evaluated: 2025-05-04. Review status: criteria provided, single submitter. Criteria: Invitae Variant Classification Sherloc (09022015). Collection method: clinical testing. Allele origin: germline.

GeneDx
Classification: Likely benign. Last evaluated: 2017-05-08. Review status: criteria provided, single submitter. Criteria: GeneDx Variant Classification (06012015). Collection method: clinical testing. Allele origin: germline. Affected: yes.
Comment: This variant is considered likely benign or benign based on one or more of the following criteria: it is a conservative change, it occurs at a poorly conserved position in the protein, it is predicted to be benign by multiple in silico algorithms, and/or has population frequency not consistent with disease.